The following is an entry in ClinVar:

NM_002291.3(LAMB1):c.1000+72T>C

Gene: LAMB1 (laminin subunit beta 1; minus strand). Cytogenetic location: 7q31.1.
Variant type: single nucleotide variant.
Coding change: c.1000+72T>C on transcript NM_002291.3 (MANE Select); 72 bases into the intron after coding-DNA position 1000, T replaced by C.
Molecular consequence: intron variant.
Genome position (GRCh38, 1-based): chr7:107,977,975, A>G on the plus strand (T>C on the coding strand, the complement: LAMB1 is on the minus strand). VCF-style: chr7-107977975-A-G. GRCh37 (hg19) VCF-style: chr7-107618420-A-G.
Identifiers: ClinVar variation 682967 (VCV000682967.2), dbSNP rs11769960, ClinGen allele CA164266924.
Genomic context (GRCh38, chr7:107,977,975, plus strand): 5'-CAGGGTGAAGCTGGAAAAAAGACAGTAACTTTTCTACCCTCTGCAAAACAGTACACTGTT[A>G]CAGTACCTCTAATTAGGAAATGGATACTAGAGCCTGAATGGATTTAAAATGTCCCTTCAA-3'

ClinVar aggregate classification (germline): Benign. Review status: criteria provided, multiple submitters, no conflicts (2 of 4 stars). 2 submissions from 2 submitters: Benign (2). Last evaluated 2018-06-14.

Allele frequency attached by ClinVar (database versions not stated): 1000 Genomes Project 0.08327; 1000 Genomes Project 30x 0.08542; gnomAD 0.09068 and 0.09069; gnomAD exomes 0.09391; TOPMed 0.09697.
gnomAD v4.1: 146,344 of 1,562,460 alleles (9.4%); highest among the groups gnomAD compares: Admixed American, 16%; 7,452 homozygotes.

Submissions (2):

GeneDx
Classification: Benign. Last evaluated: 2018-06-14. Review status: criteria provided, single submitter. Criteria: GeneDx Variant Classification (06012015). Collection method: clinical testing. Allele origin: germline. Affected: yes.
Comment: This variant is considered likely benign or benign based on one or more of the following criteria: it is a conservative change, it occurs at a poorly conserved position in the protein, it is predicted to be benign by multiple in silico algorithms, and/or has population frequency not consistent with disease.

Breakthrough Genomics
Classification: Benign. Review status: criteria provided, single submitter. Criteria: ACMG Guidelines, 2015. Collection method: not provided. Allele origin: germline. Inheritance: Autosomal recessive inheritance. Affected: yes.